The following is an entry in ClinVar:

ClinVar aggregate classification (germline): Pathogenic. Review status: criteria provided, multiple submitters, no conflicts (2 of 4 stars). 2 submissions from 2 submitters: Pathogenic (2). Last evaluated 2025-12-16.

Conditions:
Deficiency of ferroxidase (ACEP). Also called: NEURODEGENERATION WITH BRAIN IRON ACCUMULATION 10; Ceruloplasmin deficiency; Familial apoceruloplasmin deficiency; Hereditary ceruloplasmin deficiency; Aceruloplasminemia; Deficiency of ceruloplasmin. Identifiers: Orphanet 48818, MedGen C0878682, MONDO:0011426, OMIM 604290, HP:0025498.
Neurodegeneration with brain iron accumulation (NBIA). Identifiers: Orphanet 385, MedGen C2931845, MONDO:0018307.

gnomAD v4.1: 13 of 1,614,026 alleles (0.00081%); highest among the groups gnomAD compares: East Asian, 0.0022%; no homozygotes.

Submissions (2):

Labcorp Genetics (formerly Invitae), Labcorp
Classification: Pathogenic for Deficiency of ferroxidase. Last evaluated: 2025-12-16. Review status: criteria provided, single submitter. Criteria: Invitae Variant Classification Sherloc (09022015). Collection method: clinical testing. Allele origin: germline.
Comment: This sequence change replaces glycine, which is neutral and non-polar, with serine, which is neutral and polar, at codon 708 of the CP protein (p.Gly708Ser). This variant is present in population databases (no rsID available, gnomAD 0.01%). This missense change has been observed in individual(s) with aceruloplasminemia (PMID: 25089372). It has also been observed to segregate with disease in related individuals. ClinVar contains an entry for this variant (Variation ID: 3629557). Invitae Evidence Modeling of protein sequence and biophysical properties (such as structural, functional, and spatial information, amino acid conservation, physicochemical variation, residue mobility, and thermodynamic stability) indicates that this missense variant is expected to disrupt CP protein function with a positive predictive value of 80%. Algorithms developed to predict the effect of sequence changes on RNA splicing suggest that this variant may disrupt the consensus splice site. For these reasons, this variant has been classified as Pathogenic.

Women's Health and Genetics/Laboratory Corporation of America, LabCorp
Classification: Pathogenic for Neurodegeneration with brain iron accumulation. Last evaluated: 2024-11-26. Review status: criteria provided, single submitter. Criteria: LabCorp Variant Classification Summary - May 2015. Collection method: clinical testing. Allele origin: germline.
Comment: Variant summary: CP c.2122G>A (p.Gly708Ser) results in a non-conservative amino acid change in the encoded protein sequence. Five of five in-silico tools predict a damaging effect of the variant on protein function. The variant allele was found at a frequency of 1.6e-05 in 251334 control chromosomes (gnomAD). c.2122G>A has been reported in the literature in multiple homozygous individuals affected with Aceruloplasminaemia (Lindner_2015, Furashova_2023). These data indicate that the variant is very likely to be associated with disease. The following publications have been ascertained in the context of this evaluation (PMID: 25089372, 34014900). No submitters have cited clinical-significance assessments for this variant to ClinVar. Based on the evidence outlined above, the variant was classified as pathogenic.

Literature cited by the submitters: PubMed 25089372 (cited by Labcorp Genetics (formerly Invitae), Labcorp and Women's Health and Genetics/Laboratory Corporation of America, LabCorp); PubMed 34014900 (cited by Women's Health and Genetics/Laboratory Corporation of America, LabCorp).

NM_000096.4(CP):c.2122G>A (p.Gly708Ser)

Gene: CP (ceruloplasmin; minus strand). Cytogenetic location: 3q24.
Variant type: single nucleotide variant.
Coding change: c.2122G>A on transcript NM_000096.4 (MANE Select); coding-DNA position 2122, G replaced by A.
Protein change: p.Gly708Ser; replaces glycine 708 with serine.
Molecular consequence: missense variant. On other transcripts: non-coding transcript variant (1).
Genome position (GRCh38, 1-based): chr3:149,185,402, C>T on the plus strand (G>A on the coding strand, the complement: CP is on the minus strand). VCF-style: chr3-149185402-C-T. GRCh37 (hg19) VCF-style: chr3-148903189-C-T.
Other names: short protein forms G708S.
Identifiers: ClinVar variation 3629557 (VCV003629557.3).